The following is an entry in ClinVar:

ClinVar aggregate classification (germline): Uncertain significance (1 of 4 stars; one submission).

Allele frequency attached by ClinVar (database versions not stated): gnomAD exomes 0.00001.
gnomAD v4.1: 3 of 1,614,124 alleles (0.00019%); highest among the groups gnomAD compares: Non-Finnish European, 0.00025%; no homozygotes.

Submission:

Labcorp Genetics (formerly Invitae), Labcorp
Classification: Uncertain significance. Last evaluated: 2021-12-02. Review status: criteria provided, single submitter. Criteria: Invitae Variant Classification Sherloc (09022015). Collection method: clinical testing. Allele origin: germline.
Comment: This sequence change replaces aspartic acid with asparagine at codon 122 of the GNMT protein (p.Asp122Asn). The aspartic acid residue is moderately conserved and there is a small physicochemical difference between aspartic acid and asparagine. This variant is not present in population databases (gnomAD no frequency). This variant has not been reported in the literature in individuals affected with GNMT-related conditions. Algorithms developed to predict the effect of missense changes on protein structure and function are either unavailable or do not agree on the potential impact of this missense change (SIFT: "Not Available"; PolyPhen-2: "Benign"; Align-GVGD: "Not Available"). In summary, the available evidence is currently insufficient to determine the role of this variant in disease. Therefore, it has been classified as a Variant of Uncertain Significance.

NM_018960.6(GNMT):c.364G>A (p.Asp122Asn)

Genes: CNPY3-GNMT (CNPY3-GNMT readthrough; plus strand), GNMT (glycine N-methyltransferase; plus strand). Cytogenetic location: 6p21.1.
Variant type: single nucleotide variant.
Coding change: c.364G>A on transcript NM_018960.6 (MANE Select); coding-DNA position 364, G replaced by A.
Protein change: p.Asp122Asn; replaces aspartic acid 122 with asparagine.
Molecular consequence: missense variant. On other transcripts: non-coding transcript variant (4).
Genome position (GRCh38, 1-based): chr6:42,962,791, G>A. VCF-style: chr6-42962791-G-A. GRCh37 (hg19) VCF-style: chr6-42930529-G-A.
Other names: c.166G>A, p.Asp56Asn (NM_001318856.2); c.181G>A, p.Asp61Asn (NM_001318857.2, NM_001318858.2); c.364G>A, p.Asp122Asn (NM_001318865.2); short protein forms D61N, D122N, D56N.
Identifiers: ClinVar variation 1482830 (VCV001482830.3), dbSNP rs984054622, ClinGen allele CA138217803.
Genomic context (GRCh38, chr6:42,962,791, plus strand): 5'-CCTGATTCCTCTTTCTCTTCCTGACCCCTAGTCATCGAAGAAGCCAACTGGATGACTCTG[G>A]ACAAAGATGTGCCCCAGTCAGCAGAGGGTGGCTTTGATGCTGTCATCTGCCTTGGAAACA-3'
Protein context (NP_061833.1, residues 112-132): VIEEANWMTL[Asp122Asn]KDVPQSAEGG